The following is an entry in ClinVar:

NM_000350.3(ABCA4):c.5603A>T (p.Asn1868Ile)

Gene: ABCA4 (ATP binding cassette subfamily A member 4; minus strand). Cytogenetic location: 1p22.1.
Variant type: single nucleotide variant.
Coding change: c.5603A>T on transcript NM_000350.3 (MANE Select); coding-DNA position 5603, A replaced by T.
Protein change: p.Asn1868Ile; replaces asparagine 1868 with isoleucine.
Molecular consequence: missense variant.
Genome position (GRCh38, 1-based): chr1:94,010,911, T>A on the plus strand (A>T on the coding strand, the complement: ABCA4 is on the minus strand). VCF-style: chr1-94010911-T-A. GRCh37 (hg19) VCF-style: chr1-94476467-T-A.
Other names: p.N1868I:AAT>ATT; c.5381A>T, p.Asn1794Ile (NM_001425324.1); short protein forms N1868I, N1794I.
Identifiers: ClinVar variation 99390 (VCV000099390.73), dbSNP rs1801466, ClinGen allele CA202869.

ClinVar aggregate classification (germline): Conflicting classifications of pathogenicity. Review status: criteria provided, conflicting classifications (1 of 4 stars). 23 submissions from 22 submitters: Pathogenic (1); Likely pathogenic (2); Established risk allele (2); Uncertain significance (10); Benign (3); Likely benign (2). 3 of the submissions do not count toward it. Last evaluated 2026-09-18.

Conditions:
ABCA4-related disorder. Also called: ABCA4-related disorders; ABCA4-related condition. Identifiers: MedGen CN239167.
ABCA4-related retinopathy. Also called: ABCA4 retinoapthy; ABCA4-related retinoapthy. Identifiers: MedGen CN322612, MONDO:0800406.
Retinal dystrophy. Also called: Inherited retinal dystrophy. Identifiers: Orphanet 71862, MedGen C0854723, MeSH D058499, MONDO:0019118, HP:0000556.
Retinitis pigmentosa (RP). Identifiers: Orphanet 791, MedGen C0035334, MeSH D012174, MONDO:0019200, OMIM 268000. Inheritance: Autosomal dominant, autosomal recessive and X linked inheritance.
Cone-rod dystrophy 3 (CORD3). Identifiers: Orphanet 1872, MedGen C1858806, MONDO:0011395, OMIM 604116.
Severe early-childhood-onset retinal dystrophy (STGD1). Also called: Stargardt macular dystrophy; Juvenile onset macular degeneration; Stargardt disease 1; STGD; MACULAR DYSTROPHY WITH FLECKS, TYPE 1. Identifiers: Orphanet 364055, Orphanet 827, MedGen C1855465, MeSH D000080362, MONDO:0009549, OMIM 248200.
Age related macular degeneration 2. Also called: MACULOPATHY, AGE-RELATED; MACULAR DEGENERATION, SENILE; MACULOPATHY, AGE-RELATED, 2. Identifiers: MedGen C3495438, MONDO:0007932, OMIM 153800.
Stargardt disease (FFM). Also called: Stargardt's disease; Fundus flavimaculatus. Identifiers: Orphanet 827, MedGen C0271093, MONDO:0019353.
Retinal disorder. Also called: Retinal disorders; Retinopathy; Retinopathies; Retinal Diseases. Identifiers: MedGen C0035309, MONDO:0005283, HP:0000488.

Allele frequency attached by ClinVar (database versions not stated): gnomAD 0.04126 and 0.04034; gnomAD exomes 0.04255 and 0.05787; 1000 Genomes Project 0.02077; 1000 Genomes Project 30x 0.02124; TOPMed 0.03802; ESP Exome Variant Server 0.04775; ExAC 0.04456.
gnomAD v4.1: 90,059 of 1,613,960 alleles (5.6%); highest among the groups gnomAD compares: Non-Finnish European, 6.7%; 2,989 homozygotes.

Submissions 1 to 12 of 23:

Genetics Laboratory, Great Ormond Street Hospital NHS Foundation Trust, North Thames Genomic Laboratory Hub
Classification: Uncertain significance for Retinal disorders. Last evaluated: 2026-09-18. Review status: criteria provided, single submitter. Criteria: ACGS Best Practice Guidelines for Variant Classification in Rare Disease 2024 v1.2. Collection method: clinical testing. Allele origin: germline. Affected: yes.

3billion
Classification: Uncertain significance for ABCA4-related disorder. Last evaluated: 2026-01-13. Review status: criteria provided, single submitter. Criteria: ACMG Guidelines, 2015. Collection method: clinical testing. Allele origin: germline. Affected: yes.
Comment: The variant is observed in the gnomAD v4.1.0 dataset (total allele frequency: 5.580%). Predicted Consequence/Location: Missense variant In silico tool prediction suggests damaging effect of the variant on gene or gene product [3Cnet: 0.83 (> 0.75, sensitivity 0.96 and precision 0.92)]. The variant has been reported at least twice as benign with clinical assertions and evidence for the classification (ClinVar ID: VCV000099390). Therefore, this variant is classified as VUS according to the recommendation of ACMG/AMP guideline.

Revvity Omics, Revvity
Classification: Uncertain significance. Last evaluated: 2025-06-03. Review status: criteria provided, single submitter. Criteria: ACMG Guidelines, 2015. Collection method: clinical testing. Allele origin: germline.

Laboratory of Genetics, Children's Clinical University Hospital Latvia
Classification: Pathogenic. Last evaluated: 2025-02-16. Review status: criteria provided, single submitter. Criteria: ACMG Guidelines, 2015. Collection method: clinical testing. Allele origin: germline. Affected: yes.

Women's Health and Genetics/Laboratory Corporation of America, LabCorp
Classification: Likely benign. Last evaluated: 2024-11-25. Review status: criteria provided, single submitter. Criteria: LabCorp Variant Classification Summary - May 2015. Collection method: clinical testing. Allele origin: germline.
Comment: Variant summary: ABCA4 c.5603A>T (p.Asn1868Ile) results in a non-conservative amino acid change in the encoded protein sequence. Four of five in-silico tools predict a damaging effect of the variant on protein function. The variant allele was found at a frequency of 0.043 in 251362 control chromosomes in the gnomAD database, including 328 homozygotes. The observed variant frequency is approximately 30.45 fold of the estimated maximal expected allele frequency for a pathogenic variant in ABCA4 causing Stargardt Disease phenotype (0.0014). c.5603A>T has been reported in the literature in individuals affected with Stargardt Disease and related disorders (e.g. Webster_2001, Zernant_2017). These reports do not provide unequivocal conclusions about association of the variant with Stargardt Disease. Co-occurrences with multiple other pathogenic variants have been reported in cis, providing supporting evidence for a benign role. Publications report experimental evidence evaluating an impact on protein function (e.g. Sun_2000, Garces_2020). These results showed little or no damaging effect of this variant. The following publications have been ascertained in the context of this evaluation (PMID: 11328725, 33375396, 11017087, 28446513). ClinVar contains an entry for this variant (Variation ID: 99390). Based on the evidence outlined above, the variant was classified as likely benign.

Lab De Baere, Eye and Developmental Genetics Lab, Ghent University
Classification: Uncertain significance for Stargardt disease. Last evaluated: 2024-10-01. Review status: criteria provided, single submitter. Criteria: ACMG Guidelines, 2015. Collection method: research. Allele origin: inherited. Affected: yes. Observed: 1 variant allele.
Comment: ACMG/AMP guidelines: PP4_PP, BS4, PM3_PS

PreventionGenetics, part of Exact Sciences
Classification: Established risk allele for ABCA4-related condition. Last evaluated: 2024-03-05. Review status: criteria provided, single submitter. Criteria: Schmidt et al. (Genet Med. 2023). Collection method: clinical testing. Allele origin: germline.
Comment: This variant is reported with a global allele frequency of 4.2% in gnomAD, with the highest population frequency being 6.6% in individuals of European (Non-Finnish) descent, including hundreds of homozygous individuals. Allele frequencies this high are most often associated with variants that are considered benign for Mendelian disease. However, statistical analyses have shown that this variant is significantly enriched in Stargardt patient populations compared to controls (Webster et al. 2001. PubMed ID: 11328725; Aguirre-Lamban et al. 2011. PubMed ID: 21330655). Large cohort studies of individuals with only one known pathogenic variant in ABCA4 found that this c.5603A>T (p.Asn1868Ile) variant could explain ~50% of those missing heritability cases (Zernant et al. 2017. PubMed ID: 28446513; Bauwens et al. 2019. PubMed ID: 30670881). Despite the enrichment in the patient population, the very high allele frequency has been used to estimate that the penetrance of this variant is less than 5% (Runhart et al. 2018. PubMed ID: 29971439). Additionally, it has been demonstrated that patients who harbor this variant have a more mild phenotype and an average age of onset in the 4th decade compared to the typical juvenile-onset associated with ABCA4 disease (Zernant et al. 2017. PubMed ID: 28446513; Bauwens et al. 2019. PubMed ID: 30670881). Functional studies have shown that this variant causes a small but significant decrease in the ATPase activity (Sun et al. 2000. PubMed ID: 11017087) and a decrease in substrate binding ability (Garces et al. 2021. PubMed ID: 33375396). This variant has often been found in cis with other ABCA4 variants such as c.2588G>C, c.5461-10T>C, and many others; forming a complex allele which can modify the penetrance and severity of disease (Zernant et al. 2017. PubMed ID: 28446513; Bauwens et al. 2019. PubMed ID: 30670881). Given all the evidence, we interpret c.5603A>T (p.Asn1868Ile) as a risk variant for mild and late-onset disease when in trans with a severe variant.

Department of Pathology and Laboratory Medicine, Sinai Health System
Classification: Uncertain significance for ABCA4-related retinopathy. Last evaluated: 2023-04-01. Review status: criteria provided, single submitter. Criteria: ACMG Guidelines, 2015. Collection method: research. Allele origin: germline.

Institute of Human Genetics, Univ. Regensburg, Univ. Regensburg
Classification: Uncertain significance for Retinal dystrophy. Last evaluated: 2023-01-01. Review status: criteria provided, single submitter. Criteria: ACMG Guidelines, 2015. Collection method: clinical testing. Allele origin: germline. Affected: yes.

Institute of Human Genetics, University of Leipzig Medical Center
Classification: Established risk allele for Severe early-childhood-onset retinal dystrophy. Last evaluated: 2022-06-23. Review status: criteria provided, single submitter. Criteria: ClinGen Low Penetrance/Risk Allele Working Group Recommended Terminology – Version 1.0. Collection method: clinical testing. Allele origin: unknown. Affected: yes.
Comment: This variant was identified as compound heterozygous with NM_000350.3:c.67-2A>G

Labcorp Genetics (formerly Invitae), Labcorp
Classification: Benign. Last evaluated: 2021-12-18. Review status: criteria provided, single submitter. Criteria: Invitae Variant Classification Sherloc (09022015). Collection method: clinical testing. Allele origin: germline.

Broad Center for Mendelian Genomics, Broad Institute of MIT and Harvard
Classification: Likely pathogenic for Retinitis pigmentosa. Last evaluated: 2021-04-01. Review status: criteria provided, single submitter. Criteria: ACMG Guidelines, 2015. Collection method: curation. Allele origin: germline. Inheritance: Autosomal recessive inheritance. Affected: yes.
Comment: Through a review of available evidence we were able to apply the following criteria: PS3, PM3, PM3, BP2. Based on this evidence we have classified this variant as Likely Pathogenic. If you have any questions about the classification please reach out to the Pierce Lab.